The following is an entry in ClinVar:

NM_021969.3(NR0B2):c.625G>A (p.Ala209Thr)

Genes: NR0B2 (nuclear receptor subfamily 0 group B member 2; minus strand), NUDC (nuclear distribution C, dynein complex regulator; plus strand). Cytogenetic location: 1p36.11.
Variant type: single nucleotide variant.
Coding change: c.625G>A on transcript NM_021969.3 (MANE Select); coding-DNA position 625, G replaced by A.
Protein change: p.Ala209Thr; replaces alanine 209 with threonine.
Molecular consequence: missense variant.
Genome position (GRCh38, 1-based): chr1:26,911,994, C>T on the plus strand (G>A on the coding strand, the complement: NR0B2 is on the minus strand). VCF-style: chr1-26911994-C-T. GRCh37 (hg19) VCF-style: chr1-27238485-C-T.
Other names: short protein forms A209T.
Identifiers: ClinVar variation 2636313 (VCV002636313.1), dbSNP rs1302253433, ClinGen allele CA339188206.

ClinVar aggregate classification (germline): Uncertain significance (1 of 4 stars; one submission).

Conditions:
NR0B2-related disorder. Also called: NR0B2-related condition.

Allele frequency attached by ClinVar (database versions not stated): gnomAD 0.00002; TOPMed 0.00002.
gnomAD v4.1: 3 of 1,614,094 alleles (0.00019%); highest among the groups gnomAD compares: African/African-American, 0.004%; no homozygotes.

Submission:

PreventionGenetics, part of Exact Sciences
Classification: Uncertain significance for NR0B2-related condition. Last evaluated: 2022-12-11. Review status: criteria provided, single submitter. Criteria: ACMG Guidelines, 2015. Collection method: clinical testing. Allele origin: germline.
Comment: The NR0B2 c.625G>A variant is predicted to result in the amino acid substitution p.Ala209Thr. To our knowledge, this variant has not been reported in the literature or in a large population database, indicating this variant is rare. At this time, the clinical significance of this variant is uncertain due to the absence of conclusive functional and genetic evidence.